The following is an entry in ClinVar:

NM_000535.7(PMS2):c.2256T>G (p.Asp752Glu)

Gene: PMS2 (PMS1 homolog 2, mismatch repair system component; minus strand). Cytogenetic location: 7p22.1.
Variant type: single nucleotide variant.
Coding change: c.2256T>G on transcript NM_000535.7 (MANE Select); coding-DNA position 2256, T replaced by G.
Protein change: p.Asp752Glu; replaces aspartic acid 752 with glutamic acid.
Molecular consequence: missense variant. On other transcripts: non-coding transcript variant (1), intron variant (2).
Genome position (GRCh38, 1-based): chr7:5,978,615, A>C on the plus strand (T>G on the coding strand, the complement: PMS2 is on the minus strand). VCF-style: chr7-5978615-A-C. GRCh37 (hg19) VCF-style: chr7-6018246-A-C.
Other names: c.1851T>G, p.Asp617Glu (NM_001322009.2, NM_001406891.1, NM_001406892.1 and 15 more transcripts); c.2088T>G, p.Asp696Glu (NM_001406872.1, NM_001406874.1); c.2058T>G, p.Asp686Glu (NM_001406873.1); c.1695T>G, p.Asp565Glu (NM_001406907.1, NM_001322010.2, NM_001406906.1); c.1683T>G, p.Asp561Glu (NM_001406908.1, NM_001406909.1, NM_001322013.2); c.1485T>G, p.Asp495Glu (NM_001406911.1); c.1053T>G, p.Asp351Glu (NM_001406912.1); c.1947T>G, p.Asp649Glu (NM_001406875.1, NM_001406877.1, NM_001406878.1 and 5 more transcripts); and 16 more; short protein forms D565E, D581E, D644E, D716E, D441E, D590E, D617E, D640E.
Identifiers: ClinVar variation 3018540 (VCV003018540.3), dbSNP rs2128682223, ClinGen allele CA366736515.

ClinVar aggregate classification (germline): Uncertain significance (1 of 4 stars; one submission).

Conditions:
Hereditary nonpolyposis colorectal neoplasms. Identifiers: MedGen C0009405, MeSH D003123.

Submission:

Labcorp Genetics (formerly Invitae), Labcorp
Classification: Uncertain significance for Hereditary nonpolyposis colorectal neoplasms. Last evaluated: 2023-06-11. Review status: criteria provided, single submitter. Criteria: Invitae Variant Classification Sherloc (09022015). Collection method: clinical testing. Allele origin: germline.
Comment: This sequence change replaces aspartic acid, which is acidic and polar, with glutamic acid, which is acidic and polar, at codon 752 of the PMS2 protein (p.Asp752Glu). The frequency data for this variant in the population databases (gnomAD) is considered unreliable due to the presence of homologous sequence, such as pseudogenes or paralogs, in the genome. This variant has not been reported in the literature in individuals affected with PMS2-related conditions. Advanced modeling of protein sequence and biophysical properties (such as structural, functional, and spatial information, amino acid conservation, physicochemical variation, residue mobility, and thermodynamic stability) has been performed at Invitae for this missense variant, however the output from this modeling did not meet the statistical confidence thresholds required to predict the impact of this variant on PMS2 protein function. In summary, the available evidence is currently insufficient to determine the role of this variant in disease. Therefore, it has been classified as a Variant of Uncertain Significance.